The following is an entry in ClinVar:

ClinVar aggregate classification (germline): Uncertain significance (1 of 4 stars; one submission).

Conditions:
Long QT syndrome (LQTS). Identifiers: MedGen C0023976, MeSH D008133, MONDO:0002442. Disease mechanism: loss of function. Inheritance: Various modes of inheritance.

Submission:

Labcorp Genetics (formerly Invitae), Labcorp
Classification: Uncertain significance for Long QT syndrome. Last evaluated: 2022-07-06. Review status: criteria provided, single submitter. Criteria: Invitae Variant Classification Sherloc (09022015). Collection method: clinical testing. Allele origin: germline.
Comment: This variant results in a copy number gain of the genomic region encompassing exon(s) 1-2 of the SNTA1 gene. This region includes the initiator codon of the gene. This copy number gain extends beyond the assayed region for this gene and therefore may encompass additional genes. As the precise location of this event is unknown, it may be in tandem or it may be located elsewhere in the genome. This variant has not been reported in the literature in individuals affected with SNTA1-related conditions. In summary, the available evidence is currently insufficient to determine the role of this variant in disease. Therefore, it has been classified as a Variant of Uncertain Significance.

NC_000020.10:g.(?_32026637)_(32031436_?)dup

Gene: SNTA1 (syntrophin alpha 1; minus strand). Cytogenetic location: 20q11.21.
Variant type: Duplication.
Identifiers: ClinVar variation 1040341 (VCV001040341.2).